The following is an entry in ClinVar:

ClinVar aggregate classification (germline): Pathogenic (1 of 4 stars; one submission).

Submission:

Labcorp Genetics (formerly Invitae), Labcorp
Classification: Pathogenic. Last evaluated: 2023-06-23. Review status: criteria provided, single submitter. Criteria: Invitae Variant Classification Sherloc (09022015). Collection method: clinical testing. Allele origin: germline.
Comment: For these reasons, this variant has been classified as Pathogenic. This variant has not been reported in the literature in individuals affected with MCM3AP-related conditions. This variant is not present in population databases (gnomAD no frequency). This sequence change creates a premature translational stop signal (p.Tyr607*) in the MCM3AP gene. It is expected to result in an absent or disrupted protein product. Loss-of-function variants in MCM3AP are known to be pathogenic (PMID: 28633435).

Literature cited by the submitters: PubMed 28633435.

NM_003906.5(MCM3AP):c.1820dup (p.Tyr607Ter)

Gene: MCM3AP (minichromosome maintenance complex component 3 associated protein; minus strand). Cytogenetic location: 21q22.3.
Variant type: Duplication.
Coding change: c.1820dup on transcript NM_003906.5 (MANE Select); coding-DNA position 1820, one base duplicated (A; older notation c.1820dupA).
Protein change: p.Tyr607Ter; replaces tyrosine 607 with a stop codon.
Molecular consequence: nonsense.
Genome position (GRCh38, 1-based): chr21:46,277,565, T duplicated on the plus strand (A on the coding strand, the reverse complement: MCM3AP is on the minus strand). VCF-style (leftmost placement, unchanged base first): chr21-46277564-G-GT. GRCh37 (hg19) VCF-style: chr21-47697478-G-GT.
Other names: short protein forms Y607*.
Identifiers: ClinVar variation 2725966 (VCV002725966.3), dbSNP rs2517418480, ClinGen allele CA2697547596.